The following is an entry in ClinVar:

NM_002878.4(RAD51D):c.345+5A>T

Genes: RAD51D (RAD51 paralog D; minus strand), RAD51L3-RFFL (RAD51L3-RFFL readthrough; minus strand). Cytogenetic location: 17q12.
Variant type: single nucleotide variant.
Coding change: c.345+5A>T on transcript NM_002878.4 (MANE Select); 5 bases into the intron after coding-DNA position 345, A replaced by T.
Molecular consequence: intron variant.
Genome position (GRCh38, 1-based): chr17:35,107,361, T>A on the plus strand (A>T on the coding strand, the complement: RAD51D is on the minus strand). VCF-style: chr17-35107361-T-A. GRCh37 (hg19) VCF-style: chr17-33434380-T-A.
Other names: c.145-880A>T (NM_133629.3); c.405+5A>T (NM_001142571.2).
Identifiers: ClinVar variation 472600 (VCV000472600.15), dbSNP rs878854562, ClinGen allele CA658656588.

ClinVar aggregate classification (germline): Conflicting classifications of pathogenicity. Review status: criteria provided, conflicting classifications (1 of 4 stars). 4 submissions from 4 submitters: Uncertain significance (1); Likely benign (3). Last evaluated 2025-08-25.

Conditions:
Hereditary cancer-predisposing syndrome. Also called: Neoplastic Syndromes, Hereditary; Tumor predisposition; Hereditary Cancer Syndrome; Hereditary neoplastic syndrome. Identifiers: Orphanet 140162, MedGen C0027672, MeSH D009386, MONDO:0015356.
Breast-ovarian cancer, familial, susceptibility to, 4. Identifiers: Orphanet 145, MedGen C3280345, MONDO:0013669, OMIM 614291.

gnomAD v4.1: 4 of 1,541,954 alleles (0.00026%); highest among the groups gnomAD compares: Non-Finnish European, 0.00036%; no homozygotes.

Submissions (4):

Labcorp Genetics (formerly Invitae), Labcorp
Classification: Likely benign for Breast-ovarian cancer, familial, susceptibility to, 4. Last evaluated: 2025-08-25. Review status: criteria provided, single submitter. Criteria: Invitae Variant Classification Sherloc (09022015). Collection method: clinical testing. Allele origin: germline.

Color Diagnostics, LLC DBA Color Health
Classification: Uncertain significance for Hereditary cancer-predisposing syndrome. Last evaluated: 2023-07-21. Review status: criteria provided, single submitter. Criteria: ACMG Guidelines, 2015. Collection method: clinical testing. Allele origin: germline.
Comment: This variant causes an A to T nucleotide substitution at the +5 position of intron 4 of the RAD51D gene. To our knowledge, RNA studies have not been reported for this variant. This variant has not been reported in individuals affected with RAD51D-related disorders in the literature. This variant has not been identified in the general population by the Genome Aggregation Database (gnomAD). The available evidence is insufficient to determine the role of this variant in disease conclusively. Therefore, this variant is classified as a Variant of Uncertain Significance.

Ambry Genetics
Classification: Likely benign for Hereditary cancer-predisposing syndrome. Last evaluated: 2023-04-20. Review status: criteria provided, single submitter. Criteria: Ambry Variant Classification Scheme 2023. Collection method: clinical testing. Allele origin: germline.

GeneDx
Classification: Likely benign. Last evaluated: 2018-01-11. Review status: criteria provided, single submitter. Criteria: GeneDx Variant Classification (06012015). Collection method: clinical testing. Allele origin: germline. Affected: yes.
Comment: This variant is considered likely benign or benign based on one or more of the following criteria: it is a conservative change, it occurs at a poorly conserved position in the protein, it is predicted to be benign by multiple in silico algorithms, and/or has population frequency not consistent with disease.